The following is an entry in ClinVar:

NM_031372.4(HNRNPDL):c.283A>C (p.Ile95Leu)

Gene: HNRNPDL (heterogeneous nuclear ribonucleoprotein D like; minus strand). Cytogenetic location: 4q21.22.
Variant type: single nucleotide variant.
Coding change: c.283A>C on transcript NM_031372.4 (MANE Select); coding-DNA position 283, A replaced by C.
Protein change: p.Ile95Leu; replaces isoleucine 95 with leucine.
Molecular consequence: missense variant. On other transcripts: non-coding transcript variant (1).
Genome position (GRCh38, 1-based): chr4:82,429,408, T>G on the plus strand (A>C on the coding strand, the complement: HNRNPDL is on the minus strand). VCF-style: chr4-82429408-T-G. GRCh37 (hg19) VCF-style: chr4-83350561-T-G.
Other names: c.283A>C, p.Ile95Leu (NM_001207000.1); short protein forms I95L.
Identifiers: ClinVar variation 1354476 (VCV001354476.8), dbSNP rs768730541, ClinGen allele CA357172664.

ClinVar aggregate classification (germline): Uncertain significance (1 of 4 stars; one submission).

Conditions:
Autosomal dominant limb-girdle muscular dystrophy type 1G (LGMDD3). Also called: Limb-girdle muscular dystrophy, type 1G; MUSCULAR DYSTROPHY, LIMB-GIRDLE, AUTOSOMAL DOMINANT 3. Identifiers: Orphanet 55596, MedGen C1836765, MONDO:0012193, OMIM 609115.

Submission:

Labcorp Genetics (formerly Invitae), Labcorp
Classification: Uncertain significance for Autosomal dominant limb-girdle muscular dystrophy type 1G. Last evaluated: 2025-01-15. Review status: criteria provided, single submitter. Criteria: Invitae Variant Classification Sherloc (09022015). Collection method: clinical testing. Allele origin: germline.
Comment: This sequence change replaces isoleucine, which is neutral and non-polar, with leucine, which is neutral and non-polar, at codon 95 of the HNRNPDL protein (p.Ile95Leu). This variant is not present in population databases (gnomAD no frequency). This variant has not been reported in the literature in individuals affected with HNRNPDL-related conditions. ClinVar contains an entry for this variant (Variation ID: 1354476). An algorithm developed to predict the effect of missense changes on protein structure and function (PolyPhen-2) suggests that this variant is likely to be tolerated. In summary, the available evidence is currently insufficient to determine the role of this variant in disease. Therefore, it has been classified as a Variant of Uncertain Significance.